The following is an entry in ClinVar:

ClinVar aggregate classification (germline): Uncertain significance (1 of 4 stars; one submission).

Conditions:
Frontotemporal dementia and/or amyotrophic lateral sclerosis 4. Also called: FTDALS4. Identifiers: Orphanet 275872, MedGen C4225325, MONDO:0014641, OMIM 616439.

Allele frequency attached by ClinVar (database versions not stated): gnomAD exomes 0.00001.
gnomAD v4.1: 2 of 1,602,294 alleles (0.00012%); highest among the groups gnomAD compares: Admixed American, 0.0034%; no homozygotes.

Submission:

Labcorp Genetics (formerly Invitae), Labcorp
Classification: Uncertain significance for Frontotemporal dementia and/or amyotrophic lateral sclerosis 4. Last evaluated: 2025-11-10. Review status: criteria provided, single submitter. Criteria: Invitae Variant Classification Sherloc (09022015). Collection method: clinical testing. Allele origin: germline.
Comment: This sequence change affects codon 481 of the TBK1 mRNA. It is a 'silent' change, meaning that it does not change the encoded amino acid sequence of the TBK1 protein. It affects a nucleotide within the consensus splice site. This variant is present in population databases (no rsID available, gnomAD 0.006%). This variant has not been reported in the literature in individuals affected with TBK1-related conditions. ClinVar contains an entry for this variant (Variation ID: 1401632). Algorithms developed to predict the effect of sequence changes on RNA splicing suggest that this variant is not likely to affect RNA splicing. In summary, the available evidence is currently insufficient to determine the role of this variant in disease. Therefore, it has been classified as a Variant of Uncertain Significance.

NM_013254.4(TBK1):c.1443A>T (p.Val481=)

Gene: TBK1 (TANK binding kinase 1; plus strand). Cytogenetic location: 12q14.2.
Variant type: single nucleotide variant.
Coding change: c.1443A>T on transcript NM_013254.4 (MANE Select); coding-DNA position 1443, A replaced by T.
Protein change: p.Val481=; no amino-acid change (valine 481 retained).
Molecular consequence: synonymous variant.
Genome position (GRCh38, 1-based): chr12:64,490,041, A>T. VCF-style: chr12-64490041-A-T. GRCh37 (hg19) VCF-style: chr12-64883821-A-T.
Identifiers: ClinVar variation 1401632 (VCV001401632.7), dbSNP rs1396706988, ClinGen allele CA480556202.